The following is an entry in ClinVar:

NM_201384.3(PLEC):c.2194C>T (p.Arg732Trp)

Gene: PLEC (plectin; minus strand). Cytogenetic location: 8q24.3.
Variant type: single nucleotide variant.
Coding change: c.2194C>T on transcript NM_201384.3 (MANE Select); coding-DNA position 2194, C replaced by T.
Protein change: p.Arg732Trp; replaces arginine 732 with tryptophan.
Molecular consequence: missense variant.
Genome position (GRCh38, 1-based): chr8:143,931,644, G>A on the plus strand (C>T on the coding strand, the complement: PLEC is on the minus strand). VCF-style: chr8-143931644-G-A. GRCh37 (hg19) VCF-style: chr8-145005812-G-A.
Other names: c.2206C>T, p.Arg736Trp (NM_201383.3); c.2275C>T, p.Arg759Trp (NM_000445.5, NM_001410941.1); c.2152C>T, p.Arg718Trp (NM_201378.4); c.2128C>T, p.Arg710Trp (NM_201379.3); c.2605C>T, p.Arg869Trp (NM_201380.4); c.2098C>T, p.Arg700Trp (NM_201381.3); c.2194C>T, p.Arg732Trp (NM_201382.4); short protein forms R732W, R718W, R869W, R700W, R710W, R736W, R759W.
Identifiers: ClinVar variation 4790484 (VCV004790484.1).

ClinVar aggregate classification (germline): Uncertain significance (1 of 4 stars; one submission).

Conditions:
Epidermolysis bullosa simplex with nail dystrophy (EBS5D). Identifiers: MedGen C4225309, MONDO:0014661, OMIM 616487.
Epidermolysis bullosa simplex, Ogna type (EBS5A). Also called: EPIDERMOLYSIS BULLOSA SIMPLEX 5A, OGNA TYPE; Pidermolysis bullosa simplex 5A, Ogna type. Identifiers: Orphanet 79401, MedGen C0432317, MONDO:0007555, OMIM 131950.
Autosomal recessive limb-girdle muscular dystrophy type 2Q (LGMDR17). Also called: MUSCULAR DYSTROPHY, LIMB-GIRDLE, AUTOSOMAL RECESSIVE 17. Identifiers: Orphanet 254361, MedGen C3150989, MONDO:0013390, OMIM 613723.
Epidermolysis bullosa simplex 5B, with muscular dystrophy (EBS5B). Also called: EPIDERMOLYSIS BULLOSA SIMPLEX AND LIMB-GIRDLE MUSCULAR DYSTROPHY; Epidermolysis bullosa simplex with muscular dystrophy. Identifiers: Orphanet 257, MedGen C2931072, MONDO:0009181, OMIM 226670.
Epidermolysis bullosa simplex 5C, with pyloric atresia (EBS5C). Also called: PLEC-Related Epidermolysis Bullosa with Pyloric Atresia; Epidermolysis bullosa simplex with pyloric atresia; PLEC1-Related Epidermolysis Bullosa with Pyloric Atresia. Identifiers: Orphanet 158684, MedGen C2677349, MONDO:0012807, OMIM 612138.

Submission:

Labcorp Genetics (formerly Invitae), Labcorp
Classification: Uncertain significance for Autosomal recessive limb-girdle muscular dystrophy type 2Q; Epidermolysis bullosa simplex, Ogna type; Epidermolysis bullosa simplex with nail dystrophy; Epidermolysis bullosa simplex 5C, with pyloric atresia; Epidermolysis bullosa simplex 5B, with muscular dystrophy. Last evaluated: 2025-02-11. Review status: criteria provided, single submitter. Criteria: Invitae Variant Classification Sherloc (09022015). Collection method: clinical testing. Allele origin: germline.
Comment: This sequence change replaces arginine, which is basic and polar, with tryptophan, which is neutral and slightly polar, at codon 759 of the PLEC protein (p.Arg759Trp). The frequency data for this variant in the population databases is considered unreliable, as metrics indicate poor data quality at this position in the gnomAD database. This variant has not been reported in the literature in individuals affected with PLEC-related conditions. Invitae Evidence Modeling of protein sequence and biophysical properties (such as structural, functional, and spatial information, amino acid conservation, physicochemical variation, residue mobility, and thermodynamic stability) has been performed for this missense variant. However, the output from this modeling did not meet the statistical confidence thresholds required to predict the impact of this variant on PLEC protein function. In summary, the available evidence is currently insufficient to determine the role of this variant in disease. Therefore, it has been classified as a Variant of Uncertain Significance.